The following is an entry in ClinVar:

ClinVar aggregate classification (germline): Pathogenic (1 of 4 stars; one submission).

Conditions:
Gorlin syndrome. Also called: Basal cell nevus syndrome; Nevoid Basal Cell Carcinoma Syndrome. Identifiers: Orphanet 377, MedGen C0004779, MONDO:0007187.

Submission:

Labcorp Genetics (formerly Invitae), Labcorp
Classification: Pathogenic for Gorlin syndrome. Last evaluated: 2025-02-03. Review status: criteria provided, single submitter. Criteria: Invitae Variant Classification Sherloc (09022015). Collection method: clinical testing. Allele origin: germline.
Comment: This sequence change creates a premature translational stop signal (p.Thr708Lysfs*38) in the PTCH1 gene. It is expected to result in an absent or disrupted protein product. Loss-of-function variants in PTCH1 are known to be pathogenic (PMID: 16301862, 16419085). This variant is not present in population databases (gnomAD no frequency). This variant has not been reported in the literature in individuals affected with PTCH1-related conditions. For these reasons, this variant has been classified as Pathogenic.

Literature cited by the submitters: PubMed 16301862; PubMed 16419085.

NM_000264.5(PTCH1):c.2123del (p.Thr708fs)

Genes: PTCH1 (patched 1; minus strand), LOC100507346 (uncharacterized LOC100507346; plus strand). Cytogenetic location: 9q22.32.
Variant type: Deletion.
Coding change: c.2123del on transcript NM_000264.5 (MANE Select); coding-DNA position 2123, one base deleted (C; older notation c.2123delC).
Protein change: p.Thr708fs; shifts the reading frame from threonine 708.
Molecular consequence: frameshift variant. On other transcripts: non-coding transcript variant (2).
Genome position (GRCh38, 1-based): chr9:95,468,878, G deleted on the plus strand (C on the coding strand, the reverse complement: PTCH1 is on the minus strand). VCF-style (leftmost placement, unchanged base first): chr9-95468877-TG-T. GRCh37 (hg19) VCF-style: chr9-98231159-TG-T.
Other names: c.1925del, p.Thr642fs (NM_001083602.3); c.2120del, p.Thr707fs (NM_001083603.3); c.1670del, p.Thr557fs (NM_001083604.3, NM_001083605.3, NM_001083606.3 and 1 more transcripts); c.1967del, p.Thr656fs (NM_001354918.2); short protein forms T642fs, T557fs, T708fs, T656fs, T707fs.
Identifiers: ClinVar variation 3721436 (VCV003721436.2).
Genomic context (GRCh38, chr9:95,468,877, plus strand): 5'-CGTACAGGGGGGCTCGAGGCAGTGGAGGCTGGAGTCGGAGAACTGGGAGAGCAGGTCCCT[TG>T]TGGAGCTGGTGCTCTCTGGGCTCTGGCAGCTGAGGGTGTCCTGTGTCACGGTGACGGGCT-3'